The following is an entry in ClinVar:

NM_020381.4(PDSS2):c.368C>T (p.Ala123Val)

Gene: PDSS2 (decaprenyl diphosphate synthase subunit 2; minus strand). Cytogenetic location: 6q21.
Variant type: single nucleotide variant.
Coding change: c.368C>T on transcript NM_020381.4 (MANE Select); coding-DNA position 368, C replaced by T.
Protein change: p.Ala123Val; replaces alanine 123 with valine.
Molecular consequence: missense variant.
Genome position (GRCh38, 1-based): chr6:107,334,261, G>A on the plus strand (C>T on the coding strand, the complement: PDSS2 is on the minus strand). VCF-style: chr6-107334261-G-A. GRCh37 (hg19) VCF-style: chr6-107655465-G-A.
Other names: short protein forms A123V.
Identifiers: ClinVar variation 214992 (VCV000214992.2), dbSNP rs863224164, ClinGen allele CA321117.

ClinVar aggregate classification (germline): Uncertain significance (1 of 4 stars; one submission).

Submission:

GeneDx
Classification: Uncertain significance. Last evaluated: 2013-12-16. Review status: criteria provided, single submitter. Criteria: GeneDx Variant Classification (06012015). Collection method: clinical testing. Allele origin: germline. Affected: yes.
Comment: p.Ala123Val (GCT>GTT): c.368 C>T in exon 2 of the PDSS2 gene (NM_020381.3). The A123V missense substitution has not been published as a mutation, nor has it been reported as a benign polymorphism to our knowledge. The amino acid change is conservative as both Alanine and Valine are uncharged, non-polar amino acids. This change occurs at a conserved position in the PDSS2 protein. Multiple in-silico analysis programs predict that A123V is damaging to the PDSS2 protein. Therefore, based on the currently available information, it is unclear whether A123V is a disease-causing mutation or a rare benign variant. The variant is found in MITONUC-MITOP panel(s).